The following is an entry in ClinVar:

NM_001267550.2(TTN):c.91424A>T (p.Asp30475Val)

Genes: TTN-AS1 (TTN antisense RNA 1; plus strand), TTN (titin; minus strand). Cytogenetic location: 2q31.2.
Variant type: single nucleotide variant.
Coding change: c.91424A>T on transcript NM_001267550.2 (MANE Select); coding-DNA position 91424, A replaced by T.
Protein change: p.Asp30475Val; replaces aspartic acid 30475 with valine.
Molecular consequence: missense variant.
Genome position (GRCh38, 1-based): chr2:178,551,107, T>A on the plus strand (A>T on the coding strand, the complement: TTN is on the minus strand). VCF-style: chr2-178551107-T-A. GRCh37 (hg19) VCF-style: chr2-179415834-T-A.
Other names: c.86501A>T, p.Asp28834Val (NM_001256850.1); c.64229A>T, p.Asp21410Val (NM_003319.4); c.83720A>T, p.Asp27907Val (NM_133378.4); c.64604A>T, p.Asp21535Val (NM_133432.3); c.64805A>T, p.Asp21602Val (NM_133437.4); short protein forms D21410V, D21535V, D21602V, D27907V, D28834V, D30475V.
Identifiers: ClinVar variation 3369566 (VCV003369566.1).

ClinVar aggregate classification (germline): Uncertain significance (1 of 4 stars; one submission).

Submission:

GeneDx
Classification: Uncertain significance. Last evaluated: 2024-02-26. Review status: criteria provided, single submitter. Criteria: GeneDx Variant Classification Process June 2021. Collection method: clinical testing. Allele origin: germline. Affected: yes.
Comment: Not observed at significant frequency in large population cohorts (gnomAD); Missense variant in a gene in which most reported pathogenic variants are truncating/loss of function; Has not been previously published as pathogenic or benign to our knowledge